The following is an entry in ClinVar:

NM_006019.4(TCIRG1):c.972C>G (p.Cys324Trp)

Gene: TCIRG1 (T cell immune regulator 1, ATPase H+ transporting V0 subunit a3; plus strand). Cytogenetic location: 11q13.2.
Variant type: single nucleotide variant.
Coding change: c.972C>G on transcript NM_006019.4 (MANE Select); coding-DNA position 972, C replaced by G.
Protein change: p.Cys324Trp; replaces cysteine 324 with tryptophan.
Molecular consequence: missense variant. On other transcripts: intron variant (4).
Genome position (GRCh38, 1-based): chr11:68,044,296, C>G. VCF-style: chr11-68044296-C-G. GRCh37 (hg19) VCF-style: chr11-67811763-C-G.
Other names: c.78C>G, p.Cys26Trp (NM_001351059.2); c.972C>G, p.Cys324Trp (NM_001440552.1, NM_001440553.1, NM_001440554.1 and 2 more transcripts); c.759C>G, p.Cys253Trp (NM_001440567.1, NM_001440561.1, NM_001440562.1 and 1 more transcripts); c.324C>G, p.Cys108Trp (NM_006053.4); c.807+389C>G (NM_001440559.1, NM_001440560.1); c.503+1265C>G (NM_001440569.1); c.552+389C>G (NM_001440568.1); c.930C>G, p.Cys310Trp (NM_001440555.1, NM_001440556.1, NM_001440563.1); and 2 more; short protein forms C108W, C239W, C253W, C26W, C310W, C324W, C224W.
Identifiers: ClinVar variation 4781287 (VCV004781287.1).

ClinVar aggregate classification (germline): Uncertain significance (1 of 4 stars; one submission).

gnomAD v4.1: 2 of 1,604,636 alleles (0.00012%); highest among the groups gnomAD compares: Admixed American, 0.0034%; no homozygotes.

Submission:

Labcorp Genetics (formerly Invitae), Labcorp
Classification: Uncertain significance. Last evaluated: 2026-01-11. Review status: criteria provided, single submitter. Criteria: Invitae Variant Classification Sherloc (09022015). Collection method: clinical testing. Allele origin: germline.
Comment: This sequence change replaces cysteine, which is neutral and slightly polar, with tryptophan, which is neutral and slightly polar, at codon 324 of the TCIRG1 protein (p.Cys324Trp). This variant is not present in population databases (gnomAD no frequency). This variant has not been reported in the literature in individuals affected with TCIRG1-related conditions. Invitae Evidence Modeling of protein sequence and biophysical properties (such as structural, functional, and spatial information, amino acid conservation, physicochemical variation, residue mobility, and thermodynamic stability) indicates that this missense variant is expected to disrupt TCIRG1 protein function with a positive predictive value of 80%. In summary, the available evidence is currently insufficient to determine the role of this variant in disease. Therefore, it has been classified as a Variant of Uncertain Significance.